The following is an entry in ClinVar:

ClinVar aggregate classification (germline): Pathogenic (1 of 4 stars; one submission).

Conditions:
Cohen syndrome (COH1). Also called: Cutis verticis gyrata, retinitis pigmentosa, and sensorineural deafness; PEPPER SYNDROME. Identifiers: Orphanet 193, MedGen C0265223, MONDO:0008999, OMIM 216550.

Submission:

Labcorp Genetics (formerly Invitae), Labcorp
Classification: Pathogenic for Cohen syndrome. Last evaluated: 2022-01-21. Review status: criteria provided, single submitter. Criteria: Invitae Variant Classification Sherloc (09022015). Collection method: clinical testing. Allele origin: germline.
Comment: For these reasons, this variant has been classified as Pathogenic. This variant has not been reported in the literature in individuals affected with VPS13B-related conditions. This variant is not present in population databases (gnomAD no frequency). This sequence change creates a premature translational stop signal (p.Pro2832Argfs*37) in the VPS13B gene. It is expected to result in an absent or disrupted protein product. Loss-of-function variants in VPS13B are known to be pathogenic (PMID: 15141358, 16648375, 20461111).

Literature cited by the submitters: PubMed 15141358; PubMed 16648375; PubMed 20461111.

NM_152564.5(VPS13B):c.8420_8426delinsGA (p.Pro2807fs)

Gene: VPS13B (vacuolar protein sorting 13 homolog B; plus strand). Cytogenetic location: 8q22.2.
Variant type: Indel.
Coding change: c.8420_8426delinsGA on transcript NM_152564.5 (MANE Select); coding-DNA positions 8420 to 8426, CCAACTC replaced by GA.
Protein change: p.Pro2807fs; shifts the reading frame from proline 2807.
Molecular consequence: frameshift variant.
Genome position (GRCh38, 1-based): chr8:99,818,509-99,818,515, CCAACTC replaced by GA. VCF-style: chr8-99818509-CCAACTC-GA. GRCh37 (hg19) VCF-style: chr8-100830737-CCAACTC-GA.
Other names: c.8495_8501delinsGA, p.Pro2832fs (NM_017890.5); short protein forms P2807fs, P2832fs.
Identifiers: ClinVar variation 1922913 (VCV001922913.5), dbSNP rs2492009169, ClinGen allele CA2580079199.